The following is an entry in ClinVar:

NM_000245.4(MET):c.1717G>A (p.Ala573Thr)

Gene: MET (MET proto-oncogene, receptor tyrosine kinase; plus strand). Cytogenetic location: 7q31.2.
Variant type: single nucleotide variant.
Coding change: c.1717G>A on transcript NM_000245.4 (MANE Select); coding-DNA position 1717, G replaced by A.
Protein change: p.Ala573Thr; replaces alanine 573 with threonine.
Molecular consequence: missense variant.
Genome position (GRCh38, 1-based): chr7:116,755,370, G>A. VCF-style: chr7-116755370-G-A. GRCh37 (hg19) VCF-style: chr7-116395424-G-A.
Other names: c.1717G>A, p.Ala573Thr (NM_001127500.3, NM_001324401.3); c.427G>A, p.Ala143Thr (NM_001324402.2); short protein forms A573T, A143T.
Identifiers: ClinVar variation 3005484 (VCV003005484.3), dbSNP rs2116908749, ClinGen allele CA368977636.

ClinVar aggregate classification (germline): Uncertain significance (1 of 4 stars; one submission).

Conditions:
Renal cell carcinoma. Identifiers: Orphanet 217071, MedGen C0007134, MeSH D002292, MONDO:0005086, HP:0005584.

Submission:

Labcorp Genetics (formerly Invitae), Labcorp
Classification: Uncertain significance for Renal cell carcinoma. Last evaluated: 2023-06-16. Review status: criteria provided, single submitter. Criteria: Invitae Variant Classification Sherloc (09022015). Collection method: clinical testing. Allele origin: germline.
Comment: In summary, the available evidence is currently insufficient to determine the role of this variant in disease. Therefore, it has been classified as a Variant of Uncertain Significance. Advanced modeling of protein sequence and biophysical properties (such as structural, functional, and spatial information, amino acid conservation, physicochemical variation, residue mobility, and thermodynamic stability) performed at Invitae indicates that this missense variant is expected to disrupt MET protein function. This variant has not been reported in the literature in individuals affected with MET-related conditions. This variant is not present in population databases (gnomAD no frequency). This sequence change replaces alanine, which is neutral and non-polar, with threonine, which is neutral and polar, at codon 573 of the MET protein (p.Ala573Thr).